The following is an entry in ClinVar:

NM_001035.3(RYR2):c.7175A>C (p.Tyr2392Ser)

Gene: RYR2 (ryanodine receptor 2; plus strand). Cytogenetic location: 1q43.
Variant type: single nucleotide variant.
Coding change: c.7175A>C on transcript NM_001035.3 (MANE Select); coding-DNA position 7175, A replaced by C.
Protein change: p.Tyr2392Ser; replaces tyrosine 2392 with serine.
Molecular consequence: missense variant.
Genome position (GRCh38, 1-based): chr1:237,640,956, A>C. VCF-style: chr1-237640956-A-C. GRCh37 (hg19) VCF-style: chr1-237804256-A-C.
Other names: short protein forms Y2392S.
Identifiers: ClinVar variation 4881825 (VCV004881825.2).

ClinVar aggregate classification (germline): Uncertain significance (1 of 4 stars; one submission).

Submission:

Dasa
Classification: Uncertain significance. Last evaluated: 2025-10-17. Review status: criteria provided, single submitter. Criteria: DASA Assertion Criteria. Collection method: clinical testing. Allele origin: germline.
Comment: NM_001035.3(RYR2):c.7175A>C (p.Tyr2392Ser) is a missense variant that results in the substitution of tyrosine with serine. The affected residue or protein region has prior evidence supporting clinical relevance. This variant is absent from population databases. Computational prediction algorithms are consistent with a deleterious effect. The currently available literature and clinical evidence are not sufficient to establish a definitive association between this variant and the reported condition. Therefore, this variant is classified as a variant of uncertain significance.